The following is an entry in ClinVar:

NM_006939.4(SOS2):c.2958+296G>A

Gene: SOS2 (SOS Ras/Rho guanine nucleotide exchange factor 2; minus strand). Cytogenetic location: 14q21.3.
Variant type: single nucleotide variant.
Coding change: c.2958+296G>A on transcript NM_006939.4 (MANE Select); 296 bases into the intron after coding-DNA position 2958, G replaced by A.
Molecular consequence: intron variant.
Genome position (GRCh38, 1-based): chr14:50,138,316, C>T on the plus strand (G>A on the coding strand, the complement: SOS2 is on the minus strand). VCF-style: chr14-50138316-C-T. GRCh37 (hg19) VCF-style: chr14-50605034-C-T.
Identifiers: ClinVar variation 561923 (VCV000561923.1), dbSNP rs148973408, ClinGen allele CA260719003.

ClinVar aggregate classification (germline): Likely benign (1 of 4 stars; one submission).

Allele frequency attached by ClinVar (database versions not stated): TOPMed 0.00796; 1000 Genomes Project 0.01058; 1000 Genomes Project 30x 0.01077.
gnomAD v4.1: 1,070 of 151,974 alleles (0.7%); highest among the groups gnomAD compares: African/African-American, 2.4%; 15 homozygotes.

Submission:

GeneDx
Classification: Likely benign. Last evaluated: 2018-06-14. Review status: criteria provided, single submitter. Criteria: GeneDx Variant Classification (06012015). Collection method: clinical testing. Allele origin: germline. Affected: yes.
Comment: This variant is considered likely benign or benign based on one or more of the following criteria: it is a conservative change, it occurs at a poorly conserved position in the protein, it is predicted to be benign by multiple in silico algorithms, and/or has population frequency not consistent with disease.